The following is an entry in ClinVar:

NM_000138.5(FBN1):c.1289C>T (p.Pro430Leu)

Gene: FBN1 (fibrillin 1; minus strand). Cytogenetic location: 15q21.1.
Variant type: single nucleotide variant.
Coding change: c.1289C>T on transcript NM_000138.5 (MANE Select); coding-DNA position 1289, C replaced by T.
Protein change: p.Pro430Leu; replaces proline 430 with leucine.
Molecular consequence: missense variant.
Genome position (GRCh38, 1-based): chr15:48,516,221, G>A on the plus strand (C>T on the coding strand, the complement: FBN1 is on the minus strand). VCF-style: chr15-48516221-G-A. GRCh37 (hg19) VCF-style: chr15-48808418-G-A.
Other names: p.Pro430Leu; short protein forms P430L.
Identifiers: ClinVar variation 406265 (VCV000406265.60), dbSNP rs771134832, ClinGen allele CA044189.

ClinVar aggregate classification (germline): Conflicting classifications of pathogenicity. Review status: criteria provided, conflicting classifications (1 of 4 stars). 13 submissions from 13 submitters: Uncertain significance (8); Likely benign (5). Last evaluated 2026-06-08.

Conditions:
Familial thoracic aortic aneurysm and aortic dissection (TAAD). Also called: Thoracic aortic aneurysms and dissections. Identifiers: Orphanet 91387, MedGen C4707243, MONDO:0019625.
Marfan syndrome (MFS). Also called: Marfan syndrome type 1; Marfan's syndrome; FBN1-Related Marfan Syndrome; MARFAN SYNDROME, TYPE I; Marfan syndrome, classic. Identifiers: Orphanet 284963, Orphanet 558, MedGen C0024796, MONDO:0007947, OMIM 154700.
Connective tissue disorder. Also called: Connective tissue disease. Identifiers: MedGen C0009782, MONDO:0003900.

Allele frequency attached by ClinVar (database versions not stated): gnomAD 0.00001; ExAC 0.00002; TOPMed 0.00002; gnomAD exomes 0.00003.

Submissions (13):

GeneDx
Classification: Uncertain significance. Last evaluated: 2026-06-08. Review status: criteria provided, single submitter. Criteria: GeneDx Variant Classification Process June 2021. Collection method: clinical testing. Allele origin: germline.
Comment: Reported in conjunction with a de novo FBN1 pathogenic variant in a patient with Marfan syndrome who also exhibited lipodystrophy and progeroid features; however it was unclear if the p.(P430L) variant was in cis or trans with the second pathogenic FBN1 variant (PMID: 20979188); In silico analysis suggests that this missense variant does not alter protein structure/function; Does not affect a cysteine or calcium-binding residue within an EGF-like domain or a TGF-binding protein domain of the FBN1 gene; cysteine substitutions in the EGF-like domains represent the majority of pathogenic missense changes associated with FBN1-related disorders (PMID: 12938084); This variant is associated with the following publications: (PMID: 12938084, 20979188)

Women's Health and Genetics/Laboratory Corporation of America, LabCorp
Classification: Uncertain significance. Last evaluated: 2026-03-31. Review status: criteria provided, single submitter. Criteria: LabCorp Variant Classification Summary - May 2015. Collection method: clinical testing. Allele origin: germline.
Comment: Variant summary: FBN1 c.1289C>T (p.Pro430Leu) results in a non-conservative amino acid change in the encoded protein sequence. Algorithms developed to predict the effect of missense changes on protein structure and function are either unavailable or do not agree on the potential impact of this missense change. The variant allele was found at a frequency of 2.8e-05 in 251276 control chromosomes. The available data on variant occurrences in the general population are insufficient to allow any conclusion about variant significance. c.1289C>T has been observed in an individual affected with Marfan syndrome; however, the variant was also detected in the unaffected mother (example: Graul-Neumann_2010). Additionally, this individual harbored a de novo frameshift variant in FBN1 (c.8155_8156del, p.Lys2719Aspfs*18), providing supporting evidence of a benign role for c.1289C>T. c.1289C>T has also been observed in an individual with a history of thoracic aortic dissection, without strong evidence of causality (example: Ghazy_2024 ). These reports do not provide unequivocal conclusions about association of the c.1289C>T variant with Aortopathy. To our knowledge, no experimental evidence demonstrating an impact on protein function has been reported. The following publications have been ascertained in the context of this evaluation (PMID: 39274466, 20979188). ClinVar contains an entry for this variant (Variation ID: 406265). Based on the evidence outlined above, the variant was classified as uncertain significance.

Molecular Diagnostic Laboratory for Inherited Cardiovascular Disease, Montreal Heart Institute
Classification: Likely benign. Last evaluated: 2026-03-27. Review status: criteria provided, single submitter. Criteria: ACMG Guidelines, 2015. Collection method: clinical testing. Allele origin: germline. Affected: no.
Comment: BS1;BP4

Labcorp Genetics (formerly Invitae), Labcorp
Classification: Likely benign for Marfan syndrome; Familial thoracic aortic aneurysm and aortic dissection. Last evaluated: 2025-12-09. Review status: criteria provided, single submitter. Criteria: Invitae Variant Classification Sherloc (09022015). Collection method: clinical testing. Allele origin: germline.

Mayo Clinic Laboratories, Mayo Clinic
Classification: Likely benign. Last evaluated: 2025-07-08. Review status: criteria provided, single submitter. Criteria: ACMG Guidelines, 2015. Collection method: clinical testing. Allele origin: germline. Observed: 2 variant alleles.
Comment: BS1, BP2, BP4

Ambry Genetics
Classification: Uncertain significance for Familial thoracic aortic aneurysm and aortic dissection. Last evaluated: 2025-01-06. Review status: criteria provided, single submitter. Criteria: Ambry Variant Classification Scheme 2023. Collection method: clinical testing. Allele origin: germline.
Comment: The p.P430L variant (also known as c.1289C>T), located in coding exon 10 of the FBN1 gene, results from a C to T substitution at nucleotide position 1289. The proline at codon 430 is replaced by leucine, an amino acid with similar properties, and is located in the proline-rich domain. This alteration was detected in a proband who also had a de novo FBN1 truncating alteration and presented with Marfan syndrome with neonatal progeroid syndrome-like lipodystrophy. The p.P430L alteration was also detected in the proband's unaffected mother (Graul-Neumann LM et al. Am J Med Genet. 2010;152A(11):2749-55). Based on data from ExAC, the T allele has an overall frequency of less than 0.01% (2/105860). This variant was not reported in population based cohorts in the following databases: Database of Single Nucleotide Polymorphisms (dbSNP), NHLBI Exome Sequencing Project (ESP), and 1000 Genomes Project. In the ESP, this variant was not observed in 6493 samples (12986 alleles) with coverage at this position. This amino acid position is highly conserved in available vertebrate species. In addition, this alteration is predicted to be tolerated by in silico analysis. Since supporting evidence is limited at this time, the clinical significance of this alteration remains unclear.

Centre of Medical Genetics, University of Antwerp
Classification: Uncertain significance for Familial thoracic aortic aneurysm and aortic dissection. Last evaluated: 2024-09-06. Review status: criteria provided, single submitter. Criteria: ACMG Guidelines, 2015. Collection method: clinical testing. Allele origin: germline. Affected: yes.

All of Us Research Program, National Institutes of Health
Classification: Uncertain significance for Marfan syndrome. Last evaluated: 2024-08-29. Review status: criteria provided, single submitter. Criteria: ACMG Guidelines, 2015. Collection method: clinical testing. Allele origin: germline. Inheritance: Autosomal dominant inheritance. Observed: 26 variant alleles, 26 heterozygotes.
Comment: This missense variant replaces proline with leucine at codon 430 of the FBN1 protein. Computational prediction suggests that this variant may not impact protein structure and function (internally defined REVEL score threshold <= 0.5, PMID: 27666373). To our knowledge, functional studies have not been reported for this variant. This variant has been reported in an individual affected with Marfan syndrome, who also carried a pathogenic c.8155_8156delAA variant in the same gene, as well as in the unaffected mother (PMID: 20979188). This variant has been identified in 7/251276 chromosomes in the general population by the Genome Aggregation Database (gnomAD). The available evidence is insufficient to determine the role of this variant in disease conclusively. Therefore, this variant is classified as a Variant of Uncertain Significance.

This study involves interpretation of variants in research participants for the purpose of population health screening. Participant phenotype was not available at the time of variant classification. Additional details can be found in publication PMID: 35346344, PMCID: PMC8962531

Color Diagnostics, LLC DBA Color Health
Classification: Uncertain significance for Familial thoracic aortic aneurysm and aortic dissection. Last evaluated: 2024-02-09. Review status: criteria provided, single submitter. Criteria: ACMG Guidelines, 2015. Collection method: clinical testing. Allele origin: germline.
Comment: This missense variant replaces proline with leucine at codon 430 of the FBN1 protein. Computational prediction tools indicate that this variant has a neutral impact on protein structure and function. To our knowledge, functional studies have not been reported for this variant. This variant has been reported in one individual affected with Marfan syndrome, who also carried a pathogenic c.8155_8156delAA variant in the same gene, as well as in an unaffected parent (PMID: 20979188). This variant has been identified in 7/251276 chromosomes in the general population by the Genome Aggregation Database (gnomAD). The available evidence is insufficient to determine the role of this variant in disease conclusively. Therefore, this variant is classified as a Variant of Uncertain Significance.

Blueprint Genetics
Classification: Likely benign. Last evaluated: 2023-06-22. Review status: criteria provided, single submitter. Criteria: ACMG Guidelines, 2015. Collection method: clinical testing. Allele origin: germline.

CeGaT Center for Human Genetics Tuebingen
Classification: Likely benign. Last evaluated: 2022-08-01. Review status: criteria provided, single submitter. Criteria: CeGaT Center For Human Genetics Tuebingen Variant Classification Criteria Version 2. Collection method: clinical testing. Allele origin: germline. Affected: yes. Observed: 1 variant allele.
Comment: FBN1: PP2, BP4, BP5

ARUP Laboratories, Molecular Genetics and Genomics, ARUP Laboratories
Classification: Uncertain significance. Last evaluated: 2020-10-20. Review status: criteria provided, single submitter. Criteria: ARUP Molecular Germline Variant Investigation Process 2021. Collection method: clinical testing. Allele origin: germline.
Comment: The FBN1 c.1289C>T; p.Pro430Leu variant (rs771134832), to our knowledge, has not been reported in the medical literature; however, this variant is listed in the ClinVar database (Variation ID: 406265). This variant is found in the general population with an overall allele frequency of 0.003% (7/251,276 alleles) in the Genome Aggregation Database. The proline at codon 430 is weakly conserved, is not located in an EGF domain (InterPro), but computational analyses are uncertain whether this variant is neutral or deleterious (REVEL: 0.279). Therefore, based on the available information, the clinical significance of this variant is uncertain.

Center for Human Genetics, Inc
Classification: Uncertain significance for Connective tissue disorder. Last evaluated: 2016-11-01. Review status: criteria provided, single submitter. Criteria: ACMG Guidelines, 2015. Collection method: clinical testing. Allele origin: germline. Affected: yes.

Literature cited by the submitters: PubMed 20979188 (cited by 5 submitters); PubMed 39274466 (cited by Women's Health and Genetics/Laboratory Corporation of America, LabCorp).